The following is an entry in ClinVar:

ClinVar aggregate classification (germline): Benign/Likely benign. Review status: criteria provided, multiple submitters, no conflicts (2 of 4 stars). 11 submissions from 10 submitters: Benign (7); Likely benign (1). 3 of the submissions do not count toward it. Last evaluated 2026-02-04.

Conditions:
Familial cold autoinflammatory syndrome 3 (FCAS3). Also called: ANTIBODY DEFICIENCY AND IMMUNE DYSREGULATION, PLCG2-ASSOCIATED; FAMILIAL ATYPICAL COLD URTICARIA. Identifiers: Orphanet 300359, MedGen C3280914, MONDO:0013766, OMIM 614468.
Autoinflammation-PLCG2-associated antibody deficiency-immune dysregulation. Also called: Autoinflammation, antibody deficiency, and immune dysregulation, plcg2-associated; Autoinflammation, antibody deficiency, and immune dysregulation syndrome; AUTOINFLAMMATION, ANTIBODY DEFICIENCY, AND IMMUNE DYSREGULATION. Identifiers: Orphanet 324530, MedGen C3553961, MONDO:0013944, OMIM 614878.

Allele frequency attached by ClinVar (database versions not stated): 1000 Genomes Project 30x 0.53998; 1000 Genomes Project 0.54113; ExAC 0.55093; gnomAD 0.55174 and 0.55511; TOPMed 0.55238; ESP Exome Variant Server 0.55696.
gnomAD v4.1: 829,351 of 1,517,952 alleles (55%); highest among the groups gnomAD compares: Middle Eastern, 63%; 228,594 homozygotes.

Submissions (11):

Labcorp Genetics (formerly Invitae), Labcorp
Classification: Benign for Familial cold autoinflammatory syndrome 3. Last evaluated: 2026-02-04. Review status: criteria provided, single submitter. Criteria: Invitae Variant Classification Sherloc (09022015). Collection method: clinical testing. Allele origin: germline.

Women's Health and Genetics/Laboratory Corporation of America, LabCorp
Classification: Benign. Last evaluated: 2026-01-21. Review status: criteria provided, single submitter. Criteria: LabCorp Variant Classification Summary - May 2015. Collection method: clinical testing. Allele origin: germline.

Blueprint Genetics
Classification: Likely benign. Last evaluated: 2024-11-27. Review status: criteria provided, single submitter. Criteria: ACMG Guidelines, 2015. Collection method: clinical testing. Allele origin: germline.

Unidad de Genómica Garrahan, Hospital de Pediatría Garrahan
Classification: Benign. Last evaluated: 2023-11-12. Review status: criteria provided, single submitter. Criteria: ACMG Guidelines, 2015. Collection method: clinical testing. Allele origin: germline. Affected: no. Observed: 75 variant alleles.
Comment: This variant is classified as Benign based on local population frequency. This variant was detected in 78% of patients studied by a panel of primary immunodeficiencies. Number of patients: 75. Only high quality variants are reported.

Genome-Nilou Lab
Classification: Benign for Autoinflammation-PLCG2-associated antibody deficiency-immune dysregulation. Last evaluated: 2021-10-25. Review status: criteria provided, single submitter. Criteria: ACMG Guidelines, 2015. Collection method: clinical testing. Allele origin: germline. Affected: no.

Genome-Nilou Lab
Classification: Benign for Familial cold autoinflammatory syndrome 3. Last evaluated: 2021-10-25. Review status: criteria provided, single submitter. Criteria: ACMG Guidelines, 2015. Collection method: clinical testing. Allele origin: germline. Affected: no.

Laboratory for Molecular Medicine, Mass General Brigham Personalized Medicine
Classification: Benign. Last evaluated: 2016-03-28. Review status: criteria provided, single submitter. Criteria: LMM Criteria. Collection method: clinical testing. Allele origin: germline.
Comment: Variant identified in a genome or exome case(s) and assessed due to predicted null impact of the variant or pathogenic assertions in the literature or databases. Disclaimer: This variant has not undergone full assessment. The following are preliminary notes: Frequency

Breakthrough Genomics
Classification: Benign. Review status: criteria provided, single submitter. Criteria: ACMG Guidelines, 2015. Collection method: not provided. Allele origin: germline. Inheritance: Autosomal dominant inheritance. Affected: yes.

Diagnostic Laboratory, Department of Genetics, University Medical Center Groningen
Classification: Benign. Review status: no assertion criteria provided. Collection method: clinical testing. Allele origin: germline. Affected: yes. Study: VKGL Data-share Consensus. Not counted in ClinVar's aggregate classification.

Genome Diagnostics Laboratory, University Medical Center Utrecht
Classification: Benign. Review status: no assertion criteria provided. Collection method: clinical testing. Allele origin: germline. Affected: yes. Study: VKGL Data-share Consensus. Not counted in ClinVar's aggregate classification.

Joint Genome Diagnostic Labs from Nijmegen and Maastricht, Radboudumc and MUMC+
Classification: Benign. Review status: no assertion criteria provided. Collection method: clinical testing. Allele origin: germline. Affected: yes. Study: VKGL Data-share Consensus. Not counted in ClinVar's aggregate classification.

NM_002661.5(PLCG2):c.432-13T>A

Gene: PLCG2 (phospholipase C gamma 2; plus strand). Cytogenetic location: 16q23.3.
Variant type: single nucleotide variant.
Coding change: c.432-13T>A on transcript NM_002661.5 (MANE Select); 13 bases into the intron before coding-DNA position 432, T replaced by A.
Molecular consequence: intron variant.
Genome position (GRCh38, 1-based): chr16:81,859,103, T>A. VCF-style: chr16-81859103-T-A. GRCh37 (hg19) VCF-style: chr16-81892708-T-A.
Identifiers: ClinVar variation 403318 (VCV000403318.26), dbSNP rs4888183, ClinGen allele CA8193213.